The following is an entry in ClinVar:

NM_001349253.2(SCN11A):c.541dup (p.Arg181fs)

Gene: SCN11A (sodium voltage-gated channel alpha subunit 11; minus strand). Cytogenetic location: 3p22.2.
Variant type: Duplication.
Coding change: c.541dup on transcript NM_001349253.2 (MANE Select); coding-DNA position 541, one base duplicated (A; older notation c.541dupA).
Protein change: p.Arg181fs; shifts the reading frame from arginine 181.
Molecular consequence: frameshift variant.
Genome position (GRCh38, 1-based): chr3:38,926,879, T duplicated on the plus strand (A on the coding strand, the reverse complement: SCN11A is on the minus strand); the first of 2 consecutive T bases (chr3:38,926,879-38,926,880); duplicating either gives the same sequence. VCF-style (leftmost placement, unchanged base first): chr3-38926878-C-CT. GRCh37 (hg19) VCF-style: chr3-38968369-C-CT.
Other names: c.541dup, p.Arg181fs (NM_014139.3); short protein forms R181fs.
Identifiers: ClinVar variation 1041166 (VCV001041166.5), dbSNP rs2066150857, ClinGen allele CA1358732838.

ClinVar aggregate classification (germline): Uncertain significance (1 of 4 stars; one submission).

Conditions:
Hereditary sensory and autonomic neuropathy type 7. Also called: HSAN VII; Neuropathy, hereditary sensory and autonomic, type VII. Identifiers: Orphanet 391397, MedGen C3809882, MONDO:0014244, OMIM 615548.
Familial episodic pain syndrome with predominantly lower limb involvement. Also called: Episodic pain syndrome, familial, 3. Identifiers: Orphanet 391384, Orphanet 391392, MedGen C3809899, MONDO:0014247, OMIM 615552.

Submission:

Labcorp Genetics (formerly Invitae), Labcorp
Classification: Uncertain significance for Familial episodic pain syndrome with predominantly lower limb involvement; Hereditary sensory and autonomic neuropathy type 7. Last evaluated: 2022-11-08. Review status: criteria provided, single submitter. Criteria: Invitae Variant Classification Sherloc (09022015). Collection method: clinical testing. Allele origin: germline.
Comment: Algorithms developed to predict the effect of sequence changes on RNA splicing suggest that this variant may disrupt the consensus splice site. ClinVar contains an entry for this variant (Variation ID: 1041166). This variant has not been reported in the literature in individuals affected with SCN11A-related conditions. This variant is not present in population databases (gnomAD no frequency). This sequence change creates a premature translational stop signal (p.Arg181Lysfs*7) in the SCN11A gene. It is expected to result in an absent or disrupted protein product. However, the current clinical and genetic evidence is not sufficient to establish whether loss-of-function variants in SCN11A cause disease. In summary, the available evidence is currently insufficient to determine the role of this variant in disease. Therefore, it has been classified as a Variant of Uncertain Significance.